The following is an entry in ClinVar:

ClinVar aggregate classification (germline): Uncertain significance (1 of 4 stars; one submission).

gnomAD v4.1: 1 of 1,613,696 alleles (0.000062%); highest among the groups gnomAD compares: Non-Finnish European, 0.000085%; no homozygotes.

Submission:

Centre of Medical Genetics, University Hospital Muenster
Classification: Uncertain significance. Last evaluated: 2022-12-05. Review status: criteria provided, single submitter. Criteria: ACMG Guidelines, 2015. Collection method: clinical testing. Allele origin: unknown. Affected: yes. Observed: 1 variant allele, 1 heterozygote.
Comment: ACMG categories: PM1,PM2,PP3,BP1

NM_006421.5(ARFGEF1):c.623G>T (p.Arg208Leu)

Gene: ARFGEF1 (ARF guanine nucleotide exchange factor 1; minus strand). Cytogenetic location: 8q13.2.
Variant type: single nucleotide variant.
Coding change: c.623G>T on transcript NM_006421.5 (MANE Select); coding-DNA position 623, G replaced by T.
Protein change: p.Arg208Leu; replaces arginine 208 with leucine.
Molecular consequence: missense variant.
Genome position (GRCh38, 1-based): chr8:67,296,447, C>A on the plus strand (G>T on the coding strand, the complement: ARFGEF1 is on the minus strand). VCF-style: chr8-67296447-C-A. GRCh37 (hg19) VCF-style: chr8-68208682-C-A.
Other names: c.623G>T, p.Arg208Leu (NM_001413184.1, NM_001413185.1, NM_001413186.1 and 7 more transcripts); c.23G>T, p.Arg8Leu (NM_001413188.1, NM_001413193.1, NM_001413197.1); c.-493G>T (NM_001413196.1); short protein forms R208L, R8L.
Identifiers: ClinVar variation 2430321 (VCV002430321.2), dbSNP rs1587249291, ClinGen allele CA371257947.
Genomic context (GRCh38, chr8:67,296,447, plus strand): 5'-GCCTGTTGTGTTCTATACAACCTCTCTCTTCTTAAAATACTTACTGCTTGGTTTTCCATG[C>A]GTGCAAAGATAACATTTAGCATCTGAGTGAGAGTAGCTTTGGCTGTTGTCTGATTGATGA-3'
Protein context (NP_006412.2, residues 198-218): LTQMLNVIFA[Arg208Leu]MENQALQEAK